The following is an entry in ClinVar:

NM_182925.5(FLT4):c.3079T>C (p.Phe1027Leu)

Gene: FLT4 (fms related receptor tyrosine kinase 4; minus strand). Cytogenetic location: 5q35.3.
Variant type: single nucleotide variant.
Coding change: c.3079T>C on transcript NM_182925.5 (MANE Select); coding-DNA position 3079, T replaced by C.
Protein change: p.Phe1027Leu; replaces phenylalanine 1027 with leucine.
Molecular consequence: missense variant.
Genome position (GRCh38, 1-based): chr5:180,616,917, A>G on the plus strand (T>C on the coding strand, the complement: FLT4 is on the minus strand). VCF-style: chr5-180616917-A-G. GRCh37 (hg19) VCF-style: chr5-180043917-A-G.
Other names: c.3079T>C, p.Phe1027Leu (NM_001354989.2, NM_002020.5); short protein forms F1027L.
Identifiers: ClinVar variation 2636467 (VCV002636467.1), dbSNP rs764532088, ClinGen allele CA133207973.
Genomic context (GRCh38, chr5:180,616,917, plus strand): 5'-ATGCACCCTTTTCCCGTCTGAAGGGCCTTCGGGGGAAGCTCACCTTTCGGGAAGCCAGGA[A>G]CTCCATCCCTCTGGCCACCTGGAAGCTGTAGCAGACAAGATCTTCCATGGTCAGCGGGCT-3'
Protein context (NP_891555.2, residues 1017-1037): YSFQVARGME[Phe1027Leu]LASRKCIHRD

ClinVar aggregate classification (germline): Uncertain significance (1 of 4 stars; one submission).

Conditions:
FLT4-related disorder. Also called: FLT4-related condition.

Submission:

PreventionGenetics, part of Exact Sciences
Classification: Uncertain significance for FLT4-related condition. Last evaluated: 2022-09-02. Review status: criteria provided, single submitter. Criteria: ACMG Guidelines, 2015. Collection method: clinical testing. Allele origin: germline.
Comment: The FLT4 c.3079T>C variant is predicted to result in the amino acid substitution p.Phe1027Leu. To our knowledge, this variant has not been reported in the literature or in a large population database, indicating this variant is rare. At this time, the clinical significance of this variant is uncertain due to the absence of conclusive functional and genetic evidence.